The following is an entry in ClinVar:

ClinVar aggregate classification (germline): Likely pathogenic (1 of 4 stars; one submission).

Conditions:
Hereditary cancer-predisposing syndrome. Also called: Neoplastic Syndromes, Hereditary; Tumor predisposition; Hereditary neoplastic syndrome; Hereditary Cancer Syndrome. Identifiers: Orphanet 140162, MedGen C0027672, MeSH D009386, MONDO:0015356.

Submission:

Ambry Genetics
Classification: Likely pathogenic for Hereditary cancer-predisposing syndrome. Last evaluated: 2026-08-18. Review status: criteria provided, single submitter. Criteria: Ambry Variant Classification Scheme 2023. Collection method: clinical testing. Allele origin: germline.
Comment: The p.F404Y variant (also known as c.1211T>A), located in coding exon 13 of the MUTYH gene, results from a T to A substitution at nucleotide position 1211. The phenylalanine at codon 404 is replaced by tyrosine, an amino acid with highly similar properties. In a massively parallel cell-based functional assay testing 7,8-dihydro-8-oxoguanine:adenine (8OG:A) repair activity, a byproduct of oxidative damage, this variant was reported to be non-functional (Hemker SL et al. Am J Hum Genet, 2025 Sep;112:2010-2026). This variant is considered to be rare based on population cohorts in the Genome Aggregation Database (gnomAD). This amino acid position is highly conserved in available vertebrate species. In addition, this alteration is predicted to be deleterious by in silico analysis. Based on the majority of available evidence to date, this variant is likely to be pathogenic.

Literature cited by the submitters: PubMed 40738107.

NM_001048174.2(MUTYH):c.1127T>A (p.Phe376Tyr)

Gene: MUTYH (mutY DNA glycosylase; minus strand). Cytogenetic location: 1p34.1.
Variant type: single nucleotide variant.
Coding change: c.1127T>A on transcript NM_001048174.2 (MANE Select); coding-DNA position 1127, T replaced by A.
Protein change: p.Phe376Tyr; replaces phenylalanine 376 with tyrosine.
Molecular consequence: missense variant. On other transcripts: non-coding transcript variant (7).
Genome position (GRCh38, 1-based): chr1:45,331,532, A>T on the plus strand (T>A on the coding strand, the complement: MUTYH is on the minus strand). VCF-style: chr1-45331532-A-T. GRCh37 (hg19) VCF-style: chr1-45797204-A-T.
Other names: c.1130T>A, p.Phe377Tyr (NM_001407071.1, NM_001407078.1, NM_001048172.2 and 1 more transcripts); c.1127T>A, p.Phe376Tyr (NM_001407072.1, NM_001407073.1, NM_001407081.1 and 6 more transcripts); c.1043T>A, p.Phe348Tyr (NM_001407075.1); c.1160T>A, p.Phe387Tyr (NM_001407077.1, NM_001293191.2, NM_001407069.1); c.1088T>A, p.Phe363Tyr (NM_001407079.1); c.1085T>A, p.Phe362Tyr (NM_001407080.1); c.782T>A, p.Phe261Tyr (NM_001407082.1, NM_001350650.2, NM_001350651.2); c.1211T>A, p.Phe404Tyr (NM_001128425.2); and 5 more; short protein forms F376Y, F377Y, F387Y, F404Y, F348Y, F362Y, F363Y, F391Y.
Identifiers: ClinVar variation 5025003 (VCV005025003.1).